The following is an entry in ClinVar:

NM_000975.5(RPL11):c.9G>A (p.Gln3=)

Gene: RPL11 (ribosomal protein L11; plus strand). Cytogenetic location: 1p36.11.
Variant type: single nucleotide variant.
Coding change: c.9G>A on transcript NM_000975.5 (MANE Select); coding-DNA position 9, G replaced by A.
Protein change: p.Gln3=; no amino-acid change (glutamine 3 retained).
Molecular consequence: synonymous variant. On other transcripts: splice acceptor variant (1).
Genome position (GRCh38, 1-based): chr1:23,692,611, G>A. VCF-style: chr1-23692611-G-A. GRCh37 (hg19) VCF-style: chr1-24019101-G-A.
Other names: c.7-1G>A (NM_001199802.1).
Identifiers: ClinVar variation 2751821 (VCV002751821.3), dbSNP rs2523394812, ClinGen allele CA416609861.

ClinVar aggregate classification (germline): Uncertain significance (1 of 4 stars; one submission).

Conditions:
Diamond-Blackfan anemia. Also called: Blackfan Diamond syndrome; Aregenerative anemia chronic congenital; Red cell aplasia, pure hereditary; Congenital hypoplastic anemia; Aase syndrome. Identifiers: Orphanet 124, MedGen C1260899, MeSH D029503, MONDO:0015253, HP:0004810.

Submission:

Labcorp Genetics (formerly Invitae), Labcorp
Classification: Uncertain significance for Diamond-Blackfan anemia. Last evaluated: 2023-08-11. Review status: criteria provided, single submitter. Criteria: Invitae Variant Classification Sherloc (09022015). Collection method: clinical testing. Allele origin: germline.
Comment: This variant is not present in population databases (gnomAD no frequency). This variant has not been reported in the literature in individuals affected with RPL11-related conditions. Algorithms developed to predict the effect of sequence changes on RNA splicing suggest that this variant may disrupt the consensus splice site. In summary, the available evidence is currently insufficient to determine the role of this variant in disease. Therefore, it has been classified as a Variant of Uncertain Significance. This sequence change affects codon 3 of the RPL11 mRNA. It is a 'silent' change, meaning that it does not change the encoded amino acid sequence of the RPL11 protein.